The following is an entry in ClinVar:

NM_001163435.3(TBCK):c.1040G>A (p.Arg347Gln)

Gene: TBCK (TBC1 domain containing kinase; minus strand). Cytogenetic location: 4q24.
Variant type: single nucleotide variant.
Coding change: c.1040G>A on transcript NM_001163435.3 (MANE Select); coding-DNA position 1040, G replaced by A.
Protein change: p.Arg347Gln; replaces arginine 347 with glutamine.
Molecular consequence: missense variant.
Genome position (GRCh38, 1-based): chr4:106,244,656, C>T on the plus strand (G>A on the coding strand, the complement: TBCK is on the minus strand). VCF-style: chr4-106244656-C-T. GRCh37 (hg19) VCF-style: chr4-107165813-C-T.
Other names: c.1040G>A, p.Arg347Gln (NM_001163436.4); c.923G>A, p.Arg308Gln (NM_001163437.3); c.524G>A, p.Arg175Gln (NM_001290768.2); c.851G>A, p.Arg284Gln (NM_033115.5); short protein forms R308Q, R347Q, R175Q, R284Q.
Identifiers: ClinVar variation 4702426 (VCV004702426.1).

ClinVar aggregate classification (germline): Uncertain significance (1 of 4 stars; one submission).

gnomAD v4.1: 4 of 1,611,064 alleles (0.00025%); highest among the groups gnomAD compares: East Asian, 0.0022%; no homozygotes.

Submission:

Labcorp Genetics (formerly Invitae), Labcorp
Classification: Uncertain significance. Last evaluated: 2025-03-16. Review status: criteria provided, single submitter. Criteria: Invitae Variant Classification Sherloc (09022015). Collection method: clinical testing. Allele origin: germline.
Comment: This sequence change replaces arginine, which is basic and polar, with glutamine, which is neutral and polar, at codon 347 of the TBCK protein (p.Arg347Gln). This variant is not present in population databases (gnomAD no frequency). This variant has not been reported in the literature in individuals affected with TBCK-related conditions. Invitae Evidence Modeling of protein sequence and biophysical properties (such as structural, functional, and spatial information, amino acid conservation, physicochemical variation, residue mobility, and thermodynamic stability) indicates that this missense variant is not expected to disrupt TBCK protein function with a negative predictive value of 80%. In summary, the available evidence is currently insufficient to determine the role of this variant in disease. Therefore, it has been classified as a Variant of Uncertain Significance.